The following is an entry in ClinVar:

NM_001303.4(COX10):c.738G>A (p.Pro246=)

Genes: COX10 (cytochrome c oxidase assembly factor heme A:farnesyltransferase COX10; plus strand), LOC105943586 (distal CMT1A-REP; plus strand). Cytogenetic location: 17p12.
Variant type: single nucleotide variant.
Coding change: c.738G>A on transcript NM_001303.4 (MANE Select); coding-DNA position 738, G replaced by A.
Protein change: p.Pro246=; no amino-acid change (proline 246 retained).
Molecular consequence: synonymous variant.
Genome position (GRCh38, 1-based): chr17:14,192,031, G>A. VCF-style: chr17-14192031-G-A. GRCh37 (hg19) VCF-style: chr17-14095348-G-A.
Other names: p.P246P:CCG>CCA; NC_000017.10:g.14095348G>A.
Identifiers: ClinVar variation 136996 (VCV000136996.5), dbSNP rs587780910, ClinGen allele CA290457.

ClinVar aggregate classification (germline): Conflicting classifications of pathogenicity. Review status: criteria provided, conflicting classifications (1 of 4 stars). 4 submissions from 4 submitters: Uncertain significance (1); Benign (2); Likely benign (1). Last evaluated 2026-02-03.

Conditions:
Mitochondrial complex IV deficiency, nuclear type 3. Also called: Mitochondrial complex 4 deficiency, nuclear type 3. Identifiers: MedGen C5436682, MONDO:0033635, OMIM 619046.

Allele frequency attached by ClinVar (database versions not stated): gnomAD exomes 0.00014; ExAC 0.00410.

Submissions (5):

Women's Health and Genetics/Laboratory Corporation of America, LabCorp
Classification: Likely benign. Last evaluated: 2026-02-03. Review status: criteria provided, single submitter. Criteria: LabCorp Variant Classification Summary - May 2015. Collection method: clinical testing. Allele origin: germline.

Fulgent Genetics
Classification: Uncertain significance for Mitochondrial complex IV deficiency, nuclear type 3. Last evaluated: 2024-04-01. Review status: criteria provided, single submitter. Criteria: ACMG Guidelines, 2015. Collection method: clinical testing. Allele origin: germline.

GeneDx
Classification: Benign. Last evaluated: 2011-11-13. Review status: criteria provided, single submitter. Criteria: GeneDx Variant Classification (06012015). Collection method: clinical testing. Allele origin: germline. Affected: yes.
Comment: This variant is considered likely benign or benign based on one or more of the following criteria: it is a conservative change, it occurs at a poorly conserved position in the protein, it is predicted to be benign by multiple in silico algorithms, and/or has population frequency not consistent with disease.

Breakthrough Genomics
Classification: Benign. Review status: criteria provided, single submitter. Criteria: ACMG Guidelines, 2015. Collection method: not provided. Allele origin: germline. Inheritance: Autosomal recessive inheritance. Affected: yes.

Dr. Peter K. Rogan Lab, Western University
No classification provided (evidence only). Condition: Thyroid cancer, nonmedullary, 1. Review status: no classification provided. Collection method: in vitro. Allele origin: not applicable. Functional consequence: skipped exon. Not counted in ClinVar's aggregate classification.